The following is an entry in ClinVar:

ClinVar aggregate classification (germline): Pathogenic (1 of 4 stars; one submission).

Conditions:
MHC class II deficiency. Also called: Bare lymphocyte syndrome 2; BLS, TYPE II. Identifiers: Orphanet 572, MedGen C5447452, MONDO:0008855.

Allele frequency attached by ClinVar (database versions not stated): TOPMed below 0.00001; gnomAD 0.00001; gnomAD exomes 0.00001.
gnomAD v4.1: 21 of 1,613,906 alleles (0.0013%); highest among the groups gnomAD compares: Non-Finnish European, 0.0016%; no homozygotes.

Submission:

Labcorp Genetics (formerly Invitae), Labcorp
Classification: Pathogenic for MHC class II deficiency. Last evaluated: 2024-01-03. Review status: criteria provided, single submitter. Criteria: Invitae Variant Classification Sherloc (09022015). Collection method: clinical testing. Allele origin: germline.
Comment: This sequence change creates a premature translational stop signal (p.Glu126*) in the CIITA gene. It is expected to result in an absent or disrupted protein product. Loss-of-function variants in CIITA are known to be pathogenic (PMID: 8402893, 9099848, 26271388). This variant is not present in population databases (gnomAD no frequency). This variant has not been reported in the literature in individuals affected with CIITA-related conditions. ClinVar contains an entry for this variant (Variation ID: 1910291). Algorithms developed to predict the effect of sequence changes on RNA splicing suggest that this variant may disrupt the consensus splice site. For these reasons, this variant has been classified as Pathogenic.

Literature cited by the submitters: PubMed 8402893; PubMed 9099848; PubMed 26271388.

NM_000246.4(CIITA):c.376G>T (p.Glu126Ter)

Gene: CIITA (class II major histocompatibility complex transactivator; plus strand). Cytogenetic location: 16p13.13.
Variant type: single nucleotide variant.
Coding change: c.376G>T on transcript NM_000246.4 (MANE Select); coding-DNA position 376, G replaced by T.
Protein change: p.Glu126Ter; replaces glutamic acid 126 with a stop codon.
Molecular consequence: nonsense. On other transcripts: non-coding transcript variant (1).
Genome position (GRCh38, 1-based): chr16:10,898,942, G>T. VCF-style: chr16-10898942-G-T. GRCh37 (hg19) VCF-style: chr16-10992799-G-T.
Other names: c.379G>T, p.Glu127Ter (NM_001286402.1, NM_001379330.1, NM_001379332.1); c.376G>T, p.Glu126Ter (NM_001286403.2, NM_001379331.1, NM_001379333.1); c.307G>T, p.Glu103Ter (NM_001379334.1); short protein forms E126*, E103*, E127*.
Identifiers: ClinVar variation 1910291 (VCV001910291.5), dbSNP rs1209026051, ClinGen allele CA394727534.